The following is an entry in ClinVar:

NM_001190274.2(FBXO11):c.1394G>A (p.Gly465Asp)

Gene: FBXO11 (F-box protein 11; minus strand). Cytogenetic location: 2p16.3.
Variant type: single nucleotide variant.
Coding change: c.1394G>A on transcript NM_001190274.2 (MANE Select); coding-DNA position 1394, G replaced by A.
Protein change: p.Gly465Asp; replaces glycine 465 with aspartic acid.
Molecular consequence: missense variant.
Genome position (GRCh38, 1-based): chr2:47,832,353, C>T on the plus strand (G>A on the coding strand, the complement: FBXO11 is on the minus strand). VCF-style: chr2-47832353-C-T. GRCh37 (hg19) VCF-style: chr2-48059492-C-T.
Other names: c.1142G>A, p.Gly381Asp (NM_001374325.1, NM_025133.4); short protein forms G381D, G465D.
Identifiers: ClinVar variation 4976514 (VCV004976514.1).

ClinVar aggregate classification (germline): Uncertain significance (1 of 4 stars; one submission).

Submission:

GeneDx
Classification: Uncertain significance. Last evaluated: 2026-02-16. Review status: criteria provided, single submitter. Criteria: GeneDx Variant Classification Process June 2021. Collection method: clinical testing. Allele origin: germline.
Comment: Not observed at significant frequency in large population cohorts (gnomAD); In silico analysis supports that this missense variant has a deleterious effect on protein structure/function; Has not been previously published as pathogenic or benign to our knowledge